The following is an entry in ClinVar:

ClinVar aggregate classification (germline): Uncertain significance (1 of 4 stars; one submission).

Allele frequency attached by ClinVar (database versions not stated): ExAC 0.00001; gnomAD exomes 0.00001.
gnomAD v4.1: 3 of 1,611,054 alleles (0.00019%); highest among the groups gnomAD compares: Admixed American, 0.005%; no homozygotes.

Submission:

Labcorp Genetics (formerly Invitae), Labcorp
Classification: Uncertain significance. Last evaluated: 2019-12-17. Review status: criteria provided, single submitter. Criteria: Invitae Variant Classification Sherloc (09022015). Collection method: clinical testing. Allele origin: germline.
Comment: This variant is present in population databases (rs781560174, ExAC 0.009%). In summary, the available evidence is currently insufficient to determine the role of this variant in disease. Therefore, it has been classified as a Variant of Uncertain Significance. Algorithms developed to predict the effect of missense changes on protein structure and function are either unavailable or do not agree on the potential impact of this missense change (SIFT: "Deleterious"; PolyPhen-2: "Probably Damaging"; Align-GVGD: "Class C0"). This variant has not been reported in the literature in individuals with CLUAP1-related conditions. This sequence change replaces valine with leucine at codon 35 of the CLUAP1 protein (p.Val35Leu). The valine residue is highly conserved and there is a small physicochemical difference between valine and leucine.

NM_015041.3(CLUAP1):c.103G>C (p.Val35Leu)

Gene: CLUAP1 (clusterin associated protein 1; plus strand). Cytogenetic location: 16p13.3.
Variant type: single nucleotide variant.
Coding change: c.103G>C on transcript NM_015041.3 (MANE Select); coding-DNA position 103, G replaced by C.
Protein change: p.Val35Leu; replaces valine 35 with leucine.
Molecular consequence: missense variant.
Genome position (GRCh38, 1-based): chr16:3,504,800, G>C. VCF-style: chr16-3504800-G-C. GRCh37 (hg19) VCF-style: chr16-3554800-G-C.
Other names: c.103G>C, p.Val35Leu (NM_001330454.2); short protein forms V35L.
Identifiers: ClinVar variation 850043 (VCV000850043.9), dbSNP rs781560174, ClinGen allele CA7863595.